The following is an entry in ClinVar:

NM_000271.5(NPC1):c.998G>A (p.Gly333Asp)

Gene: NPC1 (NPC intracellular cholesterol transporter 1; minus strand). Cytogenetic location: 18q11.2.
Variant type: single nucleotide variant.
Coding change: c.998G>A on transcript NM_000271.5 (MANE Select); coding-DNA position 998, G replaced by A.
Protein change: p.Gly333Asp; replaces glycine 333 with aspartic acid.
Molecular consequence: missense variant.
Genome position (GRCh38, 1-based): chr18:23,556,571, C>T on the plus strand (G>A on the coding strand, the complement: NPC1 is on the minus strand). VCF-style: chr18-23556571-C-T. GRCh37 (hg19) VCF-style: chr18-21136535-C-T.
Other names: short protein forms G333D.
Identifiers: ClinVar variation 1513304 (VCV001513304.3), dbSNP rs2058955343, ClinGen allele CA401778964.

ClinVar aggregate classification (germline): Uncertain significance (1 of 4 stars; one submission).

Conditions:
Niemann-Pick disease, type C1. Also called: NIEMANN-PICK DISEASE, VARIANT TYPE C1; NEUROVISCERAL STORAGE DISEASE WITH VERTICAL SUPRANUCLEAR OPHTHALMOPLEGIA; NIEMANN-PICK DISEASE WITH CHOLESTEROL ESTERIFICATION BLOCK; NIEMANN-PICK DISEASE WITHOUT SPHINGOMYELINASE DEFICIENCY; NIEMANN-PICK DISEASE, CHRONIC NEURONOPATHIC FORM. Identifiers: Orphanet 646, MedGen C3179455, MONDO:0009757, OMIM 257220.

Allele frequency attached by ClinVar (database versions not stated): gnomAD exomes below 0.00001; TOPMed below 0.00001.
gnomAD v4.1: 3 of 1,614,082 alleles (0.00019%); highest among the groups gnomAD compares: Non-Finnish European, 0.00017%; no homozygotes.

Submission:

Labcorp Genetics (formerly Invitae), Labcorp
Classification: Uncertain significance for Niemann-Pick disease, type C1. Last evaluated: 2021-12-06. Review status: criteria provided, single submitter. Criteria: Invitae Variant Classification Sherloc (09022015). Collection method: clinical testing. Allele origin: germline.
Comment: This sequence change replaces glycine, which is neutral and non-polar, with aspartic acid, which is acidic and polar, at codon 333 of the NPC1 protein (p.Gly333Asp). This variant is not present in population databases (gnomAD no frequency). This variant has not been reported in the literature in individuals affected with NPC1-related conditions. Advanced modeling of protein sequence and biophysical properties (such as structural, functional, and spatial information, amino acid conservation, physicochemical variation, residue mobility, and thermodynamic stability) performed at Invitae indicates that this missense variant is not expected to disrupt NPC1 protein function. In summary, the available evidence is currently insufficient to determine the role of this variant in disease. Therefore, it has been classified as a Variant of Uncertain Significance.